The following is an entry in ClinVar:

NM_016529.6(ATP8A2):c.1296G>A (p.Thr432=)

Gene: ATP8A2 (ATPase phospholipid transporting 8A2). Cytogenetic location: 13q12.13.
Variant type: single nucleotide variant.
Coding change: c.1296G>A on transcript NM_016529.6 (MANE Select); coding-DNA position 1296, G replaced by A.
Protein change: p.Thr432=; no amino-acid change (threonine 432 retained).
Molecular consequence: synonymous variant.
Genome position (GRCh38, 1-based): chr13:25,559,005, G>A. VCF-style: chr13-25559005-G-A. GRCh37 (hg19) VCF-style: chr13-26133143-G-A.
Other names: c.1176G>A, p.Thr392= (NM_001313741.1); c.1296G>A, p.Thr432= (NM_001411005.1, NM_001411006.1).
Identifiers: ClinVar variation 2643703 (VCV002643703.25), dbSNP rs769761265, ClinGen allele CA6922862.

ClinVar aggregate classification (germline): Likely benign. Review status: criteria provided, multiple submitters, no conflicts (2 of 4 stars). 2 submissions from 2 submitters: Likely benign (2). Last evaluated 2025-08-19.

Allele frequency attached by ClinVar (database versions not stated): ExAC 0.00002; TOPMed 0.00002; gnomAD 0.00003; gnomAD exomes 0.00003.
gnomAD v4.1: 44 of 1,611,976 alleles (0.0027%); highest among the groups gnomAD compares: South Asian, 0.0055%; no homozygotes.

Submissions (2):

Labcorp Genetics (formerly Invitae), Labcorp
Classification: Likely benign. Last evaluated: 2025-08-19. Review status: criteria provided, single submitter. Criteria: Invitae Variant Classification Sherloc (09022015). Collection method: clinical testing. Allele origin: germline.

CeGaT Center for Human Genetics Tuebingen
Classification: Likely benign. Last evaluated: 2022-09-01. Review status: criteria provided, single submitter. Criteria: CeGaT Center For Human Genetics Tuebingen Variant Classification Criteria Version 2. Collection method: clinical testing. Allele origin: germline. Affected: yes. Observed: 1 variant allele.
Comment: ATP8A2: BP4, BP7